The following is an entry in ClinVar:

NM_000153.4(GALC):c.*19A>G

Gene: GALC (galactosylceramidase; minus strand). Cytogenetic location: 14q31.3.
Variant type: single nucleotide variant.
Coding change: c.*19A>G on transcript NM_000153.4 (MANE Select); 19 bases downstream of the stop codon, A replaced by G.
Molecular consequence: 3 prime UTR variant. On other transcripts: non-coding transcript variant (1), intron variant (1).
Genome position (GRCh38, 1-based): chr14:87,934,713, T>C on the plus strand (A>G on the coding strand, the complement: GALC is on the minus strand). VCF-style: chr14-87934713-T-C. GRCh37 (hg19) VCF-style: chr14-88401057-T-C.
Other names: c.*19A>G (NM_001201401.2, NM_001201402.2, NM_001424071.1 and 5 more transcripts); c.1744-714A>G (NM_001424073.1).
Identifiers: ClinVar variation 3896119 (VCV003896119.1).
Genomic context (GRCh38, chr14:87,934,713, plus strand): 5'-TGAAACAAGAATTGGCTCTGAACCAAAACCAAAAAGAAGGGAAGAAAATCCAGAGTATTC[T>C]ATGATGCCCTGTTAAGTATTAGCGTGTGGCTTCCACAAGAAAGTTGTCAAACTGTGCAAA-3'

ClinVar aggregate classification (germline): Uncertain significance (1 of 4 stars; one submission).

gnomAD v4.1: 136 of 1,612,924 alleles (0.0084%); highest among the groups gnomAD compares: African/African-American, 0.17%; 1 homozygote.

Submission:

Women's Health and Genetics/Laboratory Corporation of America, LabCorp
Classification: Uncertain significance. Last evaluated: 2025-03-18. Review status: criteria provided, single submitter. Criteria: LabCorp Variant Classification Summary - May 2015. Collection method: clinical testing. Allele origin: germline.
Comment: Variant summary: GALC c.*19A>G is located in the untranslated mRNA region downstream of the termination codon. The variant allele was found at a frequency of 9.6e-05 in 248752 control chromosomes. This frequency is not significantly higher than estimated for a pathogenic variant in GALC causing Galactosylceramide beta-galactosidase deficiency (9.6e-05 vs 0.0035), allowing no conclusion about variant significance. To our knowledge, no occurrence of c.*19A>G in individuals affected with Galactosylceramide beta-galactosidase deficiency and no experimental evidence demonstrating its impact on protein function have been reported. No submitters have cited clinical-significance assessments for this variant to ClinVar. Based on the evidence outlined above, the variant was classified as uncertain significance.